The following is an entry in ClinVar:

NM_001927.4(DES):c.415G>C (p.Glu139Gln)

Gene: DES (desmin; plus strand). Cytogenetic location: 2q35.
Variant type: single nucleotide variant.
Coding change: c.415G>C on transcript NM_001927.4 (MANE Select); coding-DNA position 415, G replaced by C.
Protein change: p.Glu139Gln; replaces glutamic acid 139 with glutamine.
Molecular consequence: missense variant.
Genome position (GRCh38, 1-based): chr2:219,418,877, G>C. VCF-style: chr2-219418877-G-C. GRCh37 (hg19) VCF-style: chr2-220283599-G-C.
Other names: c.415G>C, p.Glu139Gln (NM_001382708.1, NM_001382709.1, NM_001382710.1 and 3 more transcripts); short protein forms E139Q.
Identifiers: ClinVar variation 1311914 (VCV001311914.8), dbSNP rs763769862, ClinGen allele CA2125066.

ClinVar aggregate classification (germline): Uncertain significance. Review status: criteria provided, multiple submitters, no conflicts (2 of 4 stars). 3 submissions from 3 submitters: Uncertain significance (3). Last evaluated 2025-04-10.

Conditions:
Cardiovascular phenotype. Identifiers: MedGen CN230736.
Desmin-related myofibrillar myopathy (MFM1). Also called: Desminopathy; MYOFIBRILLAR MYOPATHY WITH ARRHYTHMOGENIC RIGHT VENTRICULAR CARDIOMYOPATHY; DESMIN-RELATED MYOPATHY WITH ARRHYTHMOGENIC RIGHT VENTRICULAR CARDIOMYOPATHY; Myofibrillar myopathy 1; Desmin related myopathy (former name); Desmin storage myopathy (former name). Identifiers: Orphanet 363543, Orphanet 98909, MedGen C1832370, MONDO:0011076, OMIM 601419.

Allele frequency attached by ClinVar (database versions not stated): gnomAD exomes 0.00001; TOPMed 0.00001.

Submissions (3):

GeneDx
Classification: Uncertain significance. Last evaluated: 2025-04-10. Review status: criteria provided, single submitter. Criteria: GeneDx Variant Classification Process June 2021. Collection method: clinical testing. Allele origin: germline. Affected: yes.
Comment: Reported in a patient with cardiomyopathy; however, specific clinical information was not provided (PMID: 31514951); In silico analysis supports that this missense variant has a deleterious effect on protein structure/function; Not observed at significant frequency in large population cohorts (gnomAD); This variant is associated with the following publications: (PMID: 31514951, 36396199)

Labcorp Genetics (formerly Invitae), Labcorp
Classification: Uncertain significance for Desmin-related myofibrillar myopathy. Last evaluated: 2024-10-24. Review status: criteria provided, single submitter. Criteria: Invitae Variant Classification Sherloc (09022015). Collection method: clinical testing. Allele origin: germline.
Comment: This sequence change replaces glutamic acid, which is acidic and polar, with glutamine, which is neutral and polar, at codon 139 of the DES protein (p.Glu139Gln). This variant is present in population databases (rs763769862, gnomAD 0.001%). This missense change has been observed in individual(s) with dilated cardiomyopathy (PMID: 36396199). ClinVar contains an entry for this variant (Variation ID: 1311914). Invitae Evidence Modeling of protein sequence and biophysical properties (such as structural, functional, and spatial information, amino acid conservation, physicochemical variation, residue mobility, and thermodynamic stability) has been performed for this missense variant. However, the output from this modeling did not meet the statistical confidence thresholds required to predict the impact of this variant on DES protein function. In summary, the available evidence is currently insufficient to determine the role of this variant in disease. Therefore, it has been classified as a Variant of Uncertain Significance.

Ambry Genetics
Classification: Uncertain significance for Cardiovascular phenotype. Last evaluated: 2023-01-05. Review status: criteria provided, single submitter. Criteria: Ambry Variant Classification Scheme 2023. Collection method: clinical testing. Allele origin: germline.
Comment: The p.E139Q variant (also known as c.415G>C), located in coding exon 1 of the DES gene, results from a G to C substitution at nucleotide position 415. The glutamic acid at codon 139 is replaced by glutamine, an amino acid with highly similar properties. This alteration has been reported in a dilated cardiomyopathy (DCM) cohort (Gigli M et al. J. Am. Coll. Cardiol., 2019 09;74:1480-1490). This amino acid position is highly conserved in available vertebrate species. In addition, the in silico prediction for this alteration is inconclusive. Since supporting evidence is limited at this time, the clinical significance of this alteration remains unclear.

Literature cited by the submitters: PubMed 36396199 (cited by Labcorp Genetics (formerly Invitae), Labcorp); PubMed 31514951 (cited by Ambry Genetics).